The following is an entry in ClinVar:

NM_003590.5(CUL3):c.539+4A>G

Gene: CUL3 (cullin 3; minus strand). Cytogenetic location: 2q36.2.
Variant type: single nucleotide variant.
Coding change: c.539+4A>G on transcript NM_003590.5 (MANE Select); 4 bases into the intron after coding-DNA position 539, A replaced by G.
Molecular consequence: intron variant.
Genome position (GRCh38, 1-based): chr2:224,514,608, T>C on the plus strand (A>G on the coding strand, the complement: CUL3 is on the minus strand). VCF-style: chr2-224514608-T-C. GRCh37 (hg19) VCF-style: chr2-225379325-T-C.
Other names: c.341+4A>G (NM_001257197.2); c.557+4A>G (NM_001257198.2).
Identifiers: ClinVar variation 721686 (VCV000721686.24), dbSNP rs200164153, ClinGen allele CA2140188.

ClinVar aggregate classification (germline): Likely benign. Review status: criteria provided, multiple submitters, no conflicts (2 of 4 stars). 2 submissions from 2 submitters: Likely benign (2). Last evaluated 2026-04-01.

Allele frequency attached by ClinVar (database versions not stated): ExAC 0.00023; gnomAD exomes 0.00028 and 0.00047; 1000 Genomes Project 30x 0.00031; TOPMed 0.00037; ESP Exome Variant Server 0.00046; 1000 Genomes Project 0.00020.
gnomAD v4.1: 719 of 1,601,550 alleles (0.045%); highest among the groups gnomAD compares: Admixed American, 0.092%; 1 homozygote.

Submissions (4):

CeGaT Center for Human Genetics Tuebingen
Classification: Likely benign. Last evaluated: 2026-04-01. Review status: criteria provided, single submitter. Criteria: CeGaT Center For Human Genetics Tuebingen Variant Classification Criteria Version 2. Collection method: clinical testing. Allele origin: germline. Affected: yes. Observed: 2 variant alleles.
Comment: CUL3: BP4, BS1

Labcorp Genetics (formerly Invitae), Labcorp
Classification: Likely benign. Last evaluated: 2025-12-21. Review status: criteria provided, single submitter. Criteria: Invitae Variant Classification Sherloc (09022015). Collection method: clinical testing. Allele origin: germline.

Dr. Peter K. Rogan Lab, Western University
No classification provided (evidence only). Condition: Chronic lymphocytic leukemia/small lymphocytic lymphoma. Review status: no classification provided. Collection method: in vitro. Allele origin: not applicable. Functional consequence: retained intron. Not counted in ClinVar's aggregate classification.

Dr. Peter K. Rogan Lab, Western University
No classification provided (evidence only). Condition: Chronic lymphocytic leukemia/small lymphocytic lymphoma. Review status: no classification provided. Collection method: in vitro. Allele origin: not applicable. Functional consequence: skipped exon, retained intron. Not counted in ClinVar's aggregate classification.